The following is an entry in ClinVar:

NM_006258.4(PRKG1):c.593-2A>C

Gene: PRKG1 (protein kinase cGMP-dependent 1; plus strand). Cytogenetic location: 10q21.1.
Variant type: single nucleotide variant.
Coding change: c.593-2A>C on transcript NM_006258.4 (MANE Select); the canonical splice acceptor site of the intron before coding-DNA position 593, A replaced by C.
Molecular consequence: splice acceptor variant.
Genome position (GRCh38, 1-based): chr10:51,804,583, A>C. VCF-style: chr10-51804583-A-C. GRCh37 (hg19) VCF-style: chr10-53564343-A-C.
Other names: c.548-2A>C (NM_001098512.3); c.593-2A>C (NM_001374782.1).
Identifiers: ClinVar variation 1907250 (VCV001907250.3), dbSNP rs2494026407, ClinGen allele CA376530729.

ClinVar aggregate classification (germline): Uncertain significance (1 of 4 stars; one submission).

Conditions:
Aortic aneurysm, familial thoracic 8 (AAT8). Identifiers: MedGen C3809513, MONDO:0014187, OMIM 615436.

Submission:

Labcorp Genetics (formerly Invitae), Labcorp
Classification: Uncertain significance for Aortic aneurysm, familial thoracic 8. Last evaluated: 2022-09-14. Review status: criteria provided, single submitter. Criteria: Invitae Variant Classification Sherloc (09022015). Collection method: clinical testing. Allele origin: germline.
Comment: In summary, the available evidence is currently insufficient to determine the role of this variant in disease. Therefore, it has been classified as a Variant of Uncertain Significance. Algorithms developed to predict the effect of sequence changes on RNA splicing suggest that this variant may disrupt the consensus splice site. This variant has not been reported in the literature in individuals affected with PRKG1-related conditions. This variant is not present in population databases (gnomAD no frequency). This sequence change affects an acceptor splice site in intron 3 of the PRKG1 gene. It is expected to disrupt RNA splicing. Variants that disrupt the donor or acceptor splice site typically lead to a loss of protein function (PMID: 16199547), however the current clinical and genetic evidence is not sufficient to establish whether loss-of-function variants in PRKG1 cause disease.

Literature cited by the submitters: PubMed 16199547.